The following is an entry in ClinVar:

ClinVar aggregate classification (germline): Uncertain significance. Review status: criteria provided, multiple submitters, no conflicts (2 of 4 stars). 3 submissions from 3 submitters: Uncertain significance (3). Last evaluated 2026-01-24.

Conditions:
Breast-ovarian cancer, familial, susceptibility to, 4. Identifiers: Orphanet 145, MedGen C3280345, MONDO:0013669, OMIM 614291.
Hereditary cancer-predisposing syndrome. Also called: Neoplastic Syndromes, Hereditary; Tumor predisposition; Hereditary neoplastic syndrome; Hereditary Cancer Syndrome. Identifiers: Orphanet 140162, MedGen C0027672, MeSH D009386, MONDO:0015356.

Allele frequency attached by ClinVar (database versions not stated): TOPMed below 0.00001.
gnomAD v4.1: 1 of 1,611,606 alleles (0.000062%); highest among the groups gnomAD compares: Non-Finnish European, 0.000085%; no homozygotes.

Submissions (3):

Labcorp Genetics (formerly Invitae), Labcorp
Classification: Uncertain significance for Breast-ovarian cancer, familial, susceptibility to, 4. Last evaluated: 2026-01-24. Review status: criteria provided, single submitter. Criteria: Invitae Variant Classification Sherloc (09022015). Collection method: clinical testing. Allele origin: germline.
Comment: This sequence change replaces alanine, which is neutral and non-polar, with aspartic acid, which is acidic and polar, at codon 231 of the RAD51D protein (p.Ala231Asp). This variant is not present in population databases (gnomAD no frequency). This variant has not been reported in the literature in individuals affected with RAD51D-related conditions. ClinVar contains an entry for this variant (Variation ID: 628382). Invitae Evidence Modeling of protein sequence and biophysical properties (such as structural, functional, and spatial information, amino acid conservation, physicochemical variation, residue mobility, and thermodynamic stability) indicates that this missense variant is expected to disrupt RAD51D protein function with a positive predictive value of 80%. In summary, the available evidence is currently insufficient to determine the role of this variant in disease. Therefore, it has been classified as a Variant of Uncertain Significance.

Color Diagnostics, LLC DBA Color Health
Classification: Uncertain significance for Hereditary cancer-predisposing syndrome. Last evaluated: 2023-12-04. Review status: criteria provided, single submitter. Criteria: ACMG Guidelines, 2015. Collection method: clinical testing. Allele origin: germline.
Comment: This missense variant replaces alanine with aspartic acid at codon 231 of the RAD51D protein. Computational prediction is inconclusive regarding the impact of this variant on protein structure and function (internally defined REVEL score threshold 0.5 < inconclusive < 0.7, PMID: 27666373). To our knowledge, functional studies have not been reported for this variant. This variant has not been reported in individuals affected with RAD51D-related disorders in the literature. This variant has not been identified in the general population by the Genome Aggregation Database (gnomAD). The available evidence is insufficient to determine the role of this variant in disease conclusively. Therefore, this variant is classified as a Variant of Uncertain Significance.

Ambry Genetics
Classification: Uncertain significance for Hereditary cancer-predisposing syndrome. Last evaluated: 2023-03-30. Review status: criteria provided, single submitter. Criteria: Ambry Variant Classification Scheme 2023. Collection method: clinical testing. Allele origin: germline.
Comment: The p.A231D variant (also known as c.692C>A), located in coding exon 8 of the RAD51D gene, results from a C to A substitution at nucleotide position 692. The alanine at codon 231 is replaced by aspartic acid, an amino acid with dissimilar properties. This amino acid position is well conserved in available vertebrate species. In addition, this alteration is predicted to be deleterious by in silico analysis. Since supporting evidence is limited at this time, the clinical significance of this alteration remains unclear.

NM_002878.4(RAD51D):c.692C>A (p.Ala231Asp)

Genes: RAD51L3-RFFL (RAD51L3-RFFL readthrough; minus strand), RAD51D (RAD51 paralog D; minus strand). Cytogenetic location: 17q12.
Variant type: single nucleotide variant.
Coding change: c.692C>A on transcript NM_002878.4 (MANE Select); coding-DNA position 692, C replaced by A.
Protein change: p.Ala231Asp; replaces alanine 231 with aspartic acid.
Molecular consequence: missense variant. On other transcripts: non-coding transcript variant (3).
Genome position (GRCh38, 1-based): chr17:35,103,300, G>T on the plus strand (C>A on the coding strand, the complement: RAD51D is on the minus strand). VCF-style: chr17-35103300-G-T. GRCh37 (hg19) VCF-style: chr17-33430319-G-T.
Other names: c.752C>A, p.Ala251Asp (NM_001142571.2); c.356C>A, p.Ala119Asp (NM_133629.3); short protein forms A231D, A119D, A251D.
Identifiers: ClinVar variation 628382 (VCV000628382.10), dbSNP rs535851875, ClinGen allele CA399087676.